The following is an entry in ClinVar:

ClinVar aggregate classification (germline): Likely benign (0 of 4 stars; one submission).

Conditions:
ARHGAP32-related disorder. Also called: ARHGAP32-related condition.

Allele frequency attached by ClinVar (database versions not stated): ExAC 0.00117; gnomAD 0.00131; TOPMed 0.00135; 1000 Genomes Project 0.00140; 1000 Genomes Project 30x 0.00156; ESP Exome Variant Server 0.00169; gnomAD exomes 0.00210.
gnomAD v4.1: 3,225 of 1,612,246 alleles (0.2%); highest among the groups gnomAD compares: Non-Finnish European, 0.26%; 8 homozygotes.

Submission:

PreventionGenetics, part of Exact Sciences
Classification: Likely benign for ARHGAP32-related condition. Last evaluated: 2023-04-17. Review status: no assertion criteria provided. Collection method: clinical testing. Allele origin: germline.
Comment: This variant is classified as likely benign based on ACMG/AMP sequence variant interpretation guidelines (Richards et al. 2015 PMID: 25741868, with internal and published modifications).

NM_001378024.1(ARHGAP32):c.6172G>A (p.Gly2058Ser)

Gene: ARHGAP32 (Rho GTPase activating protein 32; minus strand). Cytogenetic location: 11q24.3.
Variant type: single nucleotide variant.
Coding change: c.6172G>A on transcript NM_001378024.1 (MANE Select); coding-DNA position 6172, G replaced by A.
Protein change: p.Gly2058Ser; replaces glycine 2058 with serine.
Molecular consequence: missense variant.
Genome position (GRCh38, 1-based): chr11:128,969,041, C>T on the plus strand (G>A on the coding strand, the complement: ARHGAP32 is on the minus strand). VCF-style: chr11-128969041-C-T. GRCh37 (hg19) VCF-style: chr11-128838936-C-T.
Other names: c.6130G>A, p.Gly2044Ser (NM_001142685.2); c.6010G>A, p.Gly2004Ser (NM_001378025.1); c.5083G>A, p.Gly1695Ser (NM_014715.4); short protein forms G1695S, G2004S, G2044S, G2058S.
Identifiers: ClinVar variation 3042220 (VCV003042220.2), dbSNP rs112106627, ClinGen allele CA6358247.
Genomic context (GRCh38, chr11:128,969,041, plus strand): 5'-CTGTAGCATAGGTCCTGCTCTGTGGATGGGGAAAGCCAGGGGGCACATACGTCCCCATGC[C>T]GCCCCCTCCAAAGACTCCTCGCTGGTGCTGAGGCAGGGAGTGGTAATCTTCCAGGTTATC-3'
Protein context (NP_001364953.1, residues 2048-2068): QHQRGVFGGG[Gly2058Ser]MGTYVPPGFP